The following is an entry in ClinVar:

ClinVar aggregate classification (germline): Pathogenic (1 of 4 stars; one submission).

Conditions:
Diamond-Blackfan anemia. Also called: Blackfan Diamond syndrome; Aregenerative anemia chronic congenital; Red cell aplasia, pure hereditary; Congenital hypoplastic anemia; Aase syndrome. Identifiers: Orphanet 124, MedGen C1260899, MeSH D029503, MONDO:0015253, HP:0004810.

Submission:

Labcorp Genetics (formerly Invitae), Labcorp
Classification: Pathogenic for Diamond-Blackfan anemia. Last evaluated: 2022-04-11. Review status: criteria provided, single submitter. Criteria: Invitae Variant Classification Sherloc (09022015). Collection method: clinical testing. Allele origin: germline.
Comment: This sequence change creates a premature translational stop signal (p.Arg58Lysfs*12) in the RPL5 gene. It is expected to result in an absent or disrupted protein product. Loss-of-function variants in RPL5 are known to be pathogenic (PMID: 19061985, 19773262). This variant is not present in population databases (gnomAD no frequency). This premature translational stop signal has been observed in individual(s) with clinical features of Diamond-Blackfan anemia (PMID: 19061985). For these reasons, this variant has been classified as Pathogenic.

Literature cited by the submitters: PubMed 19061985; PubMed 19773262.

NM_000969.5(RPL5):c.173del (p.Arg58fs)

Genes: DIPK1A (divergent protein kinase domain 1A; minus strand), RPL5 (ribosomal protein L5; plus strand). Cytogenetic location: 1p22.1.
Variant type: Deletion.
Coding change: c.173del on transcript NM_000969.5 (MANE Select); coding-DNA position 173, one base deleted (G; older notation c.173delG).
Protein change: p.Arg58fs; shifts the reading frame from arginine 58.
Molecular consequence: frameshift variant. On other transcripts: non-coding transcript variant (1), intron variant (1).
Genome position (GRCh38, 1-based): chr1:92,833,644, G deleted. VCF-style (leftmost placement, unchanged base first): chr1-92833643-AG-A. GRCh37 (hg19) VCF-style: chr1-93299200-AG-A.
Other names: c.475-610del (NM_001252273.2); short protein forms R58fs.
Identifiers: ClinVar variation 2202777 (VCV002202777.3), dbSNP rs2524448571, ClinGen allele CA2580063317.
Genomic context (GRCh38, chr1:92,833,643, plus strand): 5'-ATACAAGATAAAAATAAATACAACACACCCAAATACAGGATGATAGTTCGTGTGACAAAC[AG>A]AGATATCATTTGTCAGGTAAGTTGTATTCTAGACAGTCCCCTTTTTTTATTGCTAGAGAA-3'